The following is an entry in ClinVar:

NM_001029896.2(WDR45):c.235+159C>G

Genes: WDR45 (WD repeat domain 45; minus strand), LOC126863256 (BRD4-independent group 4 enhancer GRCh37_chrX:48934848-48936047; plus strand). Cytogenetic location: Xp11.23.
Variant type: single nucleotide variant.
Coding change: c.235+159C>G on transcript NM_001029896.2 (MANE Select); 159 bases into the intron after coding-DNA position 235, C replaced by G.
Molecular consequence: intron variant.
Genome position (GRCh38, 1-based): chrX:49,077,484, G>C on the plus strand (C>G on the coding strand, the complement: WDR45 is on the minus strand). VCF-style: chrX-49077484-G-C. GRCh37 (hg19) VCF-style: chrX-48935143-G-C.
Other names: c.235+159C>G (NM_007075.3, NM_007075.4).
Identifiers: ClinVar variation 810594 (VCV000810594.49), dbSNP rs1602540060, ClinGen allele CA915951117.

ClinVar aggregate classification (germline): Likely pathogenic. Review status: criteria provided, single submitter (1 of 4 stars). 2 submissions from 2 submitters: Likely pathogenic (1). 1 of the submissions does not count toward it. Last evaluated 2018-03-01.

Conditions:
Neurodegeneration with brain iron accumulation 5 (NBIA5). Also called: Beta-propeller protein-associated neurodegeneration; STATIC ENCEPHALOPATHY OF CHILDHOOD WITH NEURODEGENERATION IN ADULTHOOD. Identifiers: Orphanet 329284, MedGen C3550973, MONDO:0010476, OMIM 300894.

Submissions (2):

CeGaT Center for Human Genetics Tuebingen
Classification: Likely pathogenic. Last evaluated: 2018-03-01. Review status: criteria provided, single submitter. Criteria: CeGaT Center For Human Genetics Tuebingen Variant Classification Criteria Version 2. Collection method: clinical testing. Allele origin: germline. Affected: yes. Observed: 1 variant allele.

Center for Medical Genetics, Keio University School of Medicine
Classification: Pathogenic for Neurodegeneration with brain iron accumulation 5. Last evaluated: 2020-07-09. Review status: no assertion criteria provided. Collection method: clinical testing. Allele origin: de novo. Inheritance: X-linked dominant inheritance. Affected: yes. Observed: 1 heterozygote. Not counted in ClinVar's aggregate classification.
Comment: - Rigidity - dystonia - Iron deposition in the globus pallidus and substantia nigra seen on MRI - T1-weighted hyperintensity surrounding a central band of hypointensity in the substantia nigra

Literature cited by the submitters: PubMed 23435086 (cited by Center for Medical Genetics, Keio University School of Medicine).